The following is an entry in ClinVar:

NM_001352514.2(HLCS):c.909C>A (p.Asn303Lys)

Gene: HLCS (holocarboxylase synthetase; minus strand). Cytogenetic location: 21q22.13.
Variant type: single nucleotide variant.
Coding change: c.909C>A on transcript NM_001352514.2 (MANE Select); coding-DNA position 909, C replaced by A.
Protein change: p.Asn303Lys; replaces asparagine 303 with lysine.
Molecular consequence: missense variant. On other transcripts: non-coding transcript variant (2).
Genome position (GRCh38, 1-based): chr21:36,936,977, G>T on the plus strand (C>A on the coding strand, the complement: HLCS is on the minus strand). VCF-style: chr21-36936977-G-T. GRCh37 (hg19) VCF-style: chr21-38309277-G-T.
Other names: c.468C>A, p.Asn156Lys (NM_000411.8, NM_001242784.3, NM_001242785.2 and 4 more transcripts); short protein forms N156K, N303K.
Identifiers: ClinVar variation 1944989 (VCV001944989.2), dbSNP rs1308450296, ClinGen allele CA409912972.

ClinVar aggregate classification (germline): Uncertain significance (1 of 4 stars; one submission).

Conditions:
Holocarboxylase synthetase deficiency. Also called: MULTIPLE CARBOXYLASE DEFICIENCY, EARLY ONSET. Identifiers: Orphanet 79242, MedGen C0268581, MONDO:0009666, OMIM 253270.

Allele frequency attached by ClinVar (database versions not stated): gnomAD 0.00001; gnomAD exomes 0.00001; TOPMed 0.00001.
gnomAD v4.1: 7 of 1,614,010 alleles (0.00043%); highest among the groups gnomAD compares: Non-Finnish European, 0.00059%; no homozygotes.

Submission:

Labcorp Genetics (formerly Invitae), Labcorp
Classification: Uncertain significance for Holocarboxylase synthetase deficiency. Last evaluated: 2021-08-24. Review status: criteria provided, single submitter. Criteria: Invitae Variant Classification Sherloc (09022015). Collection method: clinical testing. Allele origin: germline.
Comment: This sequence change replaces asparagine with lysine at codon 156 of the HLCS protein (p.Asn156Lys). The asparagine residue is moderately conserved and there is a moderate physicochemical difference between asparagine and lysine. This variant is not present in population databases (ExAC no frequency). This variant has not been reported in the literature in individuals affected with HLCS-related conditions. Advanced modeling of protein sequence and biophysical properties (such as structural, functional, and spatial information, amino acid conservation, physicochemical variation, residue mobility, and thermodynamic stability) performed at Invitae indicates that this missense variant is not expected to disrupt HLCS protein function. In summary, the available evidence is currently insufficient to determine the role of this variant in disease. Therefore, it has been classified as a Variant of Uncertain Significance.